The following is an entry in ClinVar:

ClinVar aggregate classification (germline): Uncertain significance (1 of 4 stars; one submission).

Conditions:
Ehlers-Danlos syndrome, type 4 (EDSVASC). Also called: Ehlers-Danlos syndrome vascular type; Ehlers Danlos syndrome, ecchymotic type; Ehlers Danlos syndrome, arterial type; Ehlers Danlos syndrome, Sack-Barabas type; Ehlers-Danlos Syndrome Type IV. Identifiers: Orphanet 286, MedGen C0268338, MONDO:0017314, OMIM 130050.

Submission:

All of Us Research Program, National Institutes of Health
Classification: Uncertain significance for Ehlers-Danlos syndrome, type 4. Last evaluated: 2024-03-05. Review status: criteria provided, single submitter. Criteria: ACMG Guidelines, 2015. Collection method: clinical testing. Allele origin: germline. Inheritance: Autosomal dominant inheritance. Observed: 1 variant allele, 1 heterozygote.
Comment: This study involves interpretation of variants in research participants for the purpose of population health screening. Participant phenotype was not available at the time of variant classification. Additional details can be found in publication PMID: 35346344, PMCID: PMC8962531

NM_000090.4(COL3A1):c.67G>C (p.Ala23Pro)

Gene: COL3A1 (collagen type III alpha 1 chain; plus strand). Cytogenetic location: 2q32.2.
Variant type: single nucleotide variant.
Coding change: c.67G>C on transcript NM_000090.4 (MANE Select); coding-DNA position 67, G replaced by C.
Protein change: p.Ala23Pro; replaces alanine 23 with proline.
Molecular consequence: missense variant.
Genome position (GRCh38, 1-based): chr2:188,974,556, G>C. VCF-style: chr2-188974556-G-C. GRCh37 (hg19) VCF-style: chr2-189839282-G-C.
Other names: short protein forms A23P.
Identifiers: ClinVar variation 3386423 (VCV003386423.1).